The following is an entry in ClinVar:

NM_000286.3(PEX12):c.857T>C (p.Val286Ala)

Gene: PEX12 (peroxisomal biogenesis factor 12; minus strand). Cytogenetic location: 17q12.
Variant type: single nucleotide variant.
Coding change: c.857T>C on transcript NM_000286.3 (MANE Select); coding-DNA position 857, T replaced by C.
Protein change: p.Val286Ala; replaces valine 286 with alanine.
Molecular consequence: missense variant.
Genome position (GRCh38, 1-based): chr17:35,576,005, A>G on the plus strand (T>C on the coding strand, the complement: PEX12 is on the minus strand). VCF-style: chr17-35576005-A-G. GRCh37 (hg19) VCF-style: chr17-33903024-A-G.
Other names: c.857T>C (NM_000286.2); short protein forms V286A.
Identifiers: ClinVar variation 2140066 (VCV002140066.2), dbSNP rs2072782700, ClinGen allele CA399137230.

ClinVar aggregate classification (germline): Uncertain significance. Review status: criteria provided, multiple submitters, no conflicts (2 of 4 stars). 2 submissions from 2 submitters: Uncertain significance (2). Last evaluated 2022-11-18.

Conditions:
Peroxisome biogenesis disorder 3A (Zellweger). Also called: Peroxisome biogenesis disorder 3A; PEROXISOMAL BIOGENESIS DISORDER 3A (ZELLWEGER). Identifiers: Orphanet 912, MedGen C3553929, MONDO:0013927, OMIM 614859.
Inborn genetic diseases. Identifiers: MedGen C0950123, MeSH D030342.

Allele frequency attached by ClinVar (database versions not stated): gnomAD exomes below 0.00001.

Submissions (2):

Ambry Genetics
Classification: Uncertain significance for Inborn genetic diseases. Last evaluated: 2022-11-18. Review status: criteria provided, single submitter. Criteria: Ambry Variant Classification Scheme 2023. Collection method: clinical testing. Allele origin: germline.

Labcorp Genetics (formerly Invitae), Labcorp
Classification: Uncertain significance for Peroxisome biogenesis disorder 3A (Zellweger). Last evaluated: 2022-03-26. Review status: criteria provided, single submitter. Criteria: Invitae Variant Classification Sherloc (09022015). Collection method: clinical testing. Allele origin: germline.
Comment: This sequence change replaces valine, which is neutral and non-polar, with alanine, which is neutral and non-polar, at codon 286 of the PEX12 protein (p.Val286Ala). This variant is not present in population databases (gnomAD no frequency). This variant has not been reported in the literature in individuals affected with PEX12-related conditions. Algorithms developed to predict the effect of missense changes on protein structure and function (SIFT, PolyPhen-2, Align-GVGD) all suggest that this variant is likely to be tolerated. In summary, the available evidence is currently insufficient to determine the role of this variant in disease. Therefore, it has been classified as a Variant of Uncertain Significance.